The following is an entry in ClinVar:

ClinVar aggregate classification (germline): Pathogenic. Review status: criteria provided, multiple submitters, no conflicts (2 of 4 stars). 3 submissions from 3 submitters: Pathogenic (2). 1 of the submissions does not count toward it. Last evaluated 2025-04-21.

Conditions:
Combined immunodeficiency. Also called: Combined T and B cell immunodeficiency; Congenital combined immunodeficiency. Identifiers: Orphanet 101972, MedGen C2711630, MONDO:0015131, HP:0005387.
Platelet abnormalities with eosinophilia and immune-mediated inflammatory disease. Also called: IMMUNODEFICIENCY 71 WITH INFLAMMATORY DISEASE AND CONGENITAL THROMBOCYTOPENIA. Identifiers: MedGen C4540232, MONDO:0060583, OMIM 617718.

Allele frequency attached by ClinVar (database versions not stated): gnomAD exomes below 0.00001 and 0.00003; ExAC 0.00001; TOPMed 0.00001.

Submissions (3):

Labcorp Genetics (formerly Invitae), Labcorp
Classification: Pathogenic. Last evaluated: 2025-04-21. Review status: criteria provided, single submitter. Criteria: Invitae Variant Classification Sherloc (09022015). Collection method: clinical testing. Allele origin: germline.
Comment: This sequence change creates a premature translational stop signal (p.Leu247Glyfs*25) in the ARPC1B gene. It is expected to result in an absent or disrupted protein product. Loss-of-function variants in ARPC1B are known to be pathogenic (PMID: 27965109, 28368018, 29127144). This variant is present in population databases (rs760191638, gnomAD 0.0009%). This premature translational stop signal has been observed in individual(s) with clinical features of ARPC1B-related conditions (PMID: 32499645). ClinVar contains an entry for this variant (Variation ID: 827687). For these reasons, this variant has been classified as Pathogenic.

NIHR Bioresource Rare Diseases, University of Cambridge
Classification: Pathogenic for Combined immunodeficiency. Last evaluated: 2019-01-01. Review status: criteria provided, single submitter. Criteria: ACMG Guidelines, 2015. Collection method: research. Allele origin: germline. Affected: yes. Observed: 1 heterozygote.

OMIM
Classification: Pathogenic for IMMUNODEFICIENCY 71 WITH INFLAMMATORY DISEASE AND CONGENITAL THROMBOCYTOPENIA. Last evaluated: 2020-08-03. Review status: no assertion criteria provided. Collection method: literature only. Allele origin: germline. Not counted in ClinVar's aggregate classification.

Literature cited by the submitters: PubMed 27965109 (cited by Labcorp Genetics (formerly Invitae), Labcorp); PubMed 28368018 (cited by Labcorp Genetics (formerly Invitae), Labcorp); PubMed 29127144 (cited by Labcorp Genetics (formerly Invitae), Labcorp); PubMed 32499645 (cited by Labcorp Genetics (formerly Invitae), Labcorp and OMIM).

NM_005720.4(ARPC1B):c.739_743del (p.Leu247fs)

Gene: ARPC1B (actin related protein 2/3 complex subunit 1B; plus strand). Cytogenetic location: 7q22.1.
Variant type: Deletion.
Coding change: c.739_743del on transcript NM_005720.4 (MANE Select); coding-DNA positions 739 to 743, 5 bases deleted (CTGCT; older notation c.739_743delCTGCT).
Protein change: p.Leu247fs; shifts the reading frame from leucine 247.
Molecular consequence: frameshift variant.
Genome position (GRCh38, 1-based): chr7:99,391,209-99,391,213, CTGCT deleted. VCF-style (leftmost placement, unchanged base first): chr7-99391208-ACTGCT-A. GRCh37 (hg19) VCF-style: chr7-98988831-ACTGCT-A.
Other names: short protein forms L247fs.
Identifiers: ClinVar variation 827687 (VCV000827687.5), dbSNP rs760191638, ClinGen allele CA4364120.